The following is an entry in ClinVar:

NM_006563.5(KLF1):c.520G>T (p.Gly174Cys)

Genes: KLF1 (KLF transcription factor 1; minus strand), LOC130063673 (ATAC-STARR-seq lymphoblastoid silent region 10180; plus strand). Cytogenetic location: 19p13.13.
Variant type: single nucleotide variant.
Coding change: c.520G>T on transcript NM_006563.5 (MANE Select); coding-DNA position 520, G replaced by T.
Protein change: p.Gly174Cys; replaces glycine 174 with cysteine.
Molecular consequence: missense variant.
Genome position (GRCh38, 1-based): chr19:12,885,710, C>A on the plus strand (G>T on the coding strand, the complement: KLF1 is on the minus strand). VCF-style: chr19-12885710-C-A. GRCh37 (hg19) VCF-style: chr19-12996524-C-A.
Other names: p.Gly174Cys; c.520G>T (NM_006563.4); short protein forms G174C.
Identifiers: ClinVar variation 328317 (VCV000328317.13), dbSNP rs566095433, ClinGen allele CA9234044.

ClinVar aggregate classification (germline): Benign/Likely benign. Review status: criteria provided, multiple submitters, no conflicts (2 of 4 stars). 5 submissions from 5 submitters: Benign (1); Likely benign (3). 1 of the submissions does not count toward it. Last evaluated 2026-01-11.

Conditions:
KLF1-related disorder. Also called: KLF1-Related Disorders; KLF1-related condition.
Anemia, congenital dyserythropoietic, type IVa. Also called: Congenital dyserythropoietic anemia type 4; Congenital dyserythropoietic anemia, type IV; CDA, TYPE IVa. Identifiers: Orphanet 293825, MedGen C3150926, MONDO:0013355, OMIM 613673.

Allele frequency attached by ClinVar (database versions not stated): 1000 Genomes Project 30x 0.00016; TOPMed 0.00096; gnomAD 0.00089; gnomAD exomes 0.00114; 1000 Genomes Project 0.00020; ExAC 0.00086.
gnomAD v4.1: 1,539 of 1,523,492 alleles (0.1%); highest among the groups gnomAD compares: Non-Finnish European, 0.11%; no homozygotes.

Submissions (5):

Labcorp Genetics (formerly Invitae), Labcorp
Classification: Likely benign. Last evaluated: 2026-01-11. Review status: criteria provided, single submitter. Criteria: Invitae Variant Classification Sherloc (09022015). Collection method: clinical testing. Allele origin: germline.

Mayo Clinic Laboratories, Mayo Clinic
Classification: Likely benign. Last evaluated: 2025-12-02. Review status: criteria provided, single submitter. Criteria: ACMG Guidelines, 2015. Collection method: clinical testing. Allele origin: germline. Observed: 7 variant alleles.
Comment: BS2, BP4_moderate

Blueprint Genetics
Classification: Likely benign. Last evaluated: 2024-11-12. Review status: criteria provided, single submitter. Criteria: ACMG Guidelines, 2015. Collection method: clinical testing. Allele origin: germline.

Illumina Laboratory Services, Illumina
Classification: Benign for Anemia, congenital dyserythropoietic, type IVa. Last evaluated: 2018-01-13. Review status: criteria provided, single submitter. Criteria: ICSL Variant Classification Criteria 13 December 2019. Collection method: clinical testing. Allele origin: germline.
Comment: This variant was observed in the ICSL laboratory as part of a predisposition screen in an ostensibly healthy population. It had not been previously curated by ICSL or reported in the Human Gene Mutation Database (HGMD: prior to June 1st, 2018), and was therefore a candidate for classification through an automated scoring system. Utilizing variant allele frequency, disease prevalence and penetrance estimates, and inheritance mode, an automated score was calculated to assess if this variant is too frequent to cause the disease. Based on the score and internal cut-off values, a variant classified as benign is not then subjected to further curation. The score for this variant resulted in a classification of benign for this disease.

PreventionGenetics, part of Exact Sciences
Classification: Likely benign for KLF1-related condition. Last evaluated: 2020-07-15. Review status: no assertion criteria provided. Collection method: clinical testing. Allele origin: germline. Not counted in ClinVar's aggregate classification.
Comment: This variant is classified as likely benign based on ACMG/AMP sequence variant interpretation guidelines (Richards et al. 2015 PMID: 25741868, with internal and published modifications).